The following is an entry in ClinVar:

ClinVar aggregate classification (germline): Conflicting classifications of pathogenicity. Review status: criteria provided, conflicting classifications (1 of 4 stars). 4 submissions from 4 submitters: Uncertain significance (3); Likely benign (1). Last evaluated 2026-09-02.

Conditions:
XYLT2-related disorder. Also called: XYLT2-related condition.
Osteogenesis imperfecta (OI). Identifiers: Orphanet 666, MedGen C0029434, MeSH D010013, MONDO:0019019.

Allele frequency attached by ClinVar (database versions not stated): gnomAD exomes 0.00011; gnomAD 0.00012 and 0.00013; ExAC 0.00014; ESP Exome Variant Server 0.00015; TOPMed 0.00019; 1000 Genomes Project 0.00040; 1000 Genomes Project 30x 0.00047.
gnomAD v4.1: 118 of 1,613,420 alleles (0.0073%); highest among the groups gnomAD compares: East Asian, 0.074%; 1 homozygote.

Submissions (4):

PreventionGenetics, part of Exact Sciences
Classification: Uncertain significance for XYLT2-related condition. Last evaluated: 2026-09-02. Review status: criteria provided, single submitter. Criteria: ACMG Guidelines, 2015. Collection method: clinical testing. Allele origin: germline.
Comment: The XYLT2 c.811G>A variant is predicted to result in the amino acid substitution p.Asp271Asn. To our knowledge, this variant has not been reported in the literature. This variant is reported in 0.12% of alleles in individuals of East Asian descent in gnomAD. Although we suspect that this variant may be benign, at this time, the clinical significance of this variant is uncertain due to the absence of conclusive functional and genetic evidence.

Blueprint Genetics
Classification: Likely benign. Last evaluated: 2024-10-09. Review status: criteria provided, single submitter. Criteria: ACMG Guidelines, 2015. Collection method: clinical testing. Allele origin: germline.

Labcorp Genetics (formerly Invitae), Labcorp
Classification: Uncertain significance. Last evaluated: 2022-08-09. Review status: criteria provided, single submitter. Criteria: Invitae Variant Classification Sherloc (09022015). Collection method: clinical testing. Allele origin: germline.
Comment: This sequence change replaces aspartic acid, which is acidic and polar, with asparagine, which is neutral and polar, at codon 271 of the XYLT2 protein (p.Asp271Asn). This variant is present in population databases (rs138933160, gnomAD 0.1%). This variant has not been reported in the literature in individuals affected with XYLT2-related conditions. ClinVar contains an entry for this variant (Variation ID: 1400227). Algorithms developed to predict the effect of missense changes on protein structure and function output the following: SIFT: "Tolerated"; PolyPhen-2: "Benign"; Align-GVGD: "Class C0". The asparagine amino acid residue is found in multiple mammalian species, which suggests that this missense change does not adversely affect protein function. In summary, the available evidence is currently insufficient to determine the role of this variant in disease. Therefore, it has been classified as a Variant of Uncertain Significance.

Genome Diagnostics Laboratory, The Hospital for Sick Children
Classification: Uncertain significance for Osteogenesis imperfecta. Last evaluated: 2019-10-01. Review status: criteria provided, single submitter. Criteria: ACMG Guidelines, 2015. Collection method: clinical testing. Allele origin: germline.

NM_022167.4(XYLT2):c.811G>A (p.Asp271Asn)

Gene: XYLT2 (xylosyltransferase 2; plus strand). Cytogenetic location: 17q21.33.
Variant type: single nucleotide variant.
Coding change: c.811G>A on transcript NM_022167.4 (MANE Select); coding-DNA position 811, G replaced by A.
Protein change: p.Asp271Asn; replaces aspartic acid 271 with asparagine.
Molecular consequence: missense variant.
Genome position (GRCh38, 1-based): chr17:50,354,860, G>A. VCF-style: chr17-50354860-G-A. GRCh37 (hg19) VCF-style: chr17-48432221-G-A.
Other names: short protein forms D271N.
Identifiers: ClinVar variation 1400227 (VCV001400227.8), dbSNP rs138933160, ClinGen allele CA8646283.